The following is an entry in ClinVar:

ClinVar aggregate classification (germline): Likely benign. Review status: criteria provided, multiple submitters, no conflicts (2 of 4 stars). 5 submissions from 5 submitters: Likely benign (4). 1 of the submissions does not count toward it. Last evaluated 2025-12-01.

Conditions:
ZSWIM6-related disorder. Also called: ZSWIM6-related condition.

Submissions (5):

CeGaT Center for Human Genetics Tuebingen
Classification: Likely benign. Last evaluated: 2025-12-01. Review status: criteria provided, single submitter. Criteria: CeGaT Center For Human Genetics Tuebingen Variant Classification Criteria Version 2. Collection method: clinical testing. Allele origin: germline. Affected: yes. Observed: 4 variant alleles.
Comment: ZSWIM6: BS1

Labcorp Genetics (formerly Invitae), Labcorp
Classification: Likely benign. Last evaluated: 2025-11-14. Review status: criteria provided, single submitter. Criteria: Invitae Variant Classification Sherloc (09022015). Collection method: clinical testing. Allele origin: germline.

Laboratory of Genetics, Children's Clinical University Hospital Latvia
Classification: Likely benign. Last evaluated: 2025-02-16. Review status: criteria provided, single submitter. Criteria: ACMG Guidelines, 2015. Collection method: clinical testing. Allele origin: germline. Affected: yes.

Blueprint Genetics
Classification: Likely benign. Last evaluated: 2024-11-06. Review status: criteria provided, single submitter. Criteria: ACMG Guidelines, 2015. Collection method: clinical testing. Allele origin: germline.

PreventionGenetics, part of Exact Sciences
Classification: Likely benign for ZSWIM6-related condition. Last evaluated: 2022-06-29. Review status: no assertion criteria provided. Collection method: clinical testing. Allele origin: germline. Not counted in ClinVar's aggregate classification.
Comment: This variant is classified as likely benign based on ACMG/AMP sequence variant interpretation guidelines (Richards et al. 2015 PMID: 25741868, with internal and published modifications).

NM_020928.2(ZSWIM6):c.57CGG[8] (p.Gly25_Gly26dup)

Gene: ZSWIM6 (zinc finger SWIM-type containing 6; plus strand). Cytogenetic location: 5q12.1.
Variant type: Microsatellite.
Coding change: c.57CGG[8] on transcript NM_020928.2 (MANE Select); eight copies in a row of the 3-base unit CGG starting at c.57; the reference has six copies in a row; two copies, 6 bases duplicated.
Protein change: p.Gly25_Gly26dup.
Molecular consequence: inframe insertion.
Genome position (GRCh38, 1-based): chr5:61,332,341-61,332,346, CGGCGG duplicated; duplicating any 6 consecutive bases within chr5:61,332,327-61,332,346 gives the same sequence; the position shown is the placement nearest the transcript's 3' end. VCF-style (leftmost placement, unchanged base first): chr5-61332326-G-GGGCGGC. GRCh37 (hg19) VCF-style: chr5-60628153-G-GGGCGGC.
Other names: c.69_74dup6 (NM_020928.1).
Identifiers: ClinVar variation 1640326 (VCV001640326.35), dbSNP rs565100893, ClinGen allele CA559984868.